The following is an entry in ClinVar:

NM_001170629.2(CHD8):c.7481ACC[4] (p.His2498del)

Gene: CHD8 (chromodomain helicase DNA binding protein 8; minus strand). Cytogenetic location: 14q11.2.
Variant type: Microsatellite.
Coding change: c.7481ACC[4] on transcript NM_001170629.2 (MANE Select); four copies in a row of the 3-base unit ACC starting at c.7481; the reference has five copies in a row; one copy, 3 bases deleted; also written c.7493_7495del.
Protein change: p.His2498del; deletes histidine 2498.
Molecular consequence: inframe deletion.
Genome position (GRCh38, 1-based): chr14:21,385,864-21,385,866, GGT deleted on the plus strand (ACC on the coding strand, the reverse complement: CHD8 is on the minus strand); deleting any 3 consecutive bases within chr14:21,385,864-21,385,879 gives the same sequence; the position shown is the placement nearest the transcript's 3' end. VCF-style (leftmost placement, unchanged base first): chr14-21385863-GGGT-G. GRCh37 (hg19) VCF-style: chr14-21854022-GGGT-G.
Other names: c.7493_7495del (NM_001170629.1); c.6644ACC[4], p.His2219del (NM_020920.4); short protein forms H2219del, H2498del.
Identifiers: ClinVar variation 39634 (VCV000039634.8), dbSNP rs774490485, ClinGen allele CA257584629.

ClinVar aggregate classification (germline): Conflicting classifications of pathogenicity. Review status: criteria provided, conflicting classifications (1 of 4 stars). 3 submissions from 3 submitters: Uncertain significance (1); Likely benign (1). 1 of the submissions does not count toward it. Last evaluated 2026-04-02.

Conditions:
Intellectual developmental disorder with autism and macrocephaly. Also called: CHD8-Related Neurodevelopmental Disorder with Overgrowth; Autism, susceptibility to, 18. Identifiers: Orphanet 642675, MedGen C3554373, MONDO:0014017, OMIM 615032.

Submissions (3):

GeneDx
Classification: Likely benign. Last evaluated: 2026-04-02. Review status: criteria provided, single submitter. Criteria: GeneDx Variant Classification Process June 2021. Collection method: clinical testing. Allele origin: germline.
Comment: See Variant Classification Assertion Criteria.

Labcorp Genetics (formerly Invitae), Labcorp
Classification: Uncertain significance. Last evaluated: 2023-08-29. Review status: criteria provided, single submitter. Criteria: Invitae Variant Classification Sherloc (09022015). Collection method: clinical testing. Allele origin: germline.
Comment: This variant, c.7493_7495del, results in the deletion of 1 amino acid(s) of the CHD8 protein (p.His2498del), but otherwise preserves the integrity of the reading frame. The frequency data for this variant in the population databases is considered unreliable, as metrics indicate poor data quality at this position in the gnomAD database. This variant has been observed in individual(s) with autism (PMID: 23160955). Experimental studies and prediction algorithms are not available or were not evaluated, and the functional significance of this variant is currently unknown. In summary, the available evidence is currently insufficient to determine the role of this variant in disease. Therefore, it has been classified as a Variant of Uncertain Significance.

OMIM
Classification: Pathogenic for INTELLECTUAL DEVELOPMENTAL DISORDER WITH AUTISM AND MACROCEPHALY. Last evaluated: 2012-12-21. Review status: no assertion criteria provided. Collection method: literature only. Allele origin: germline. Not counted in ClinVar's aggregate classification.

Literature cited by the submitters: PubMed 23160955 (cited by Labcorp Genetics (formerly Invitae), Labcorp and OMIM).